The following is an entry in ClinVar:

ClinVar aggregate classification (germline): Uncertain significance (1 of 4 stars; one submission).

gnomAD v4.1: 2 of 1,610,364 alleles (0.00012%); highest among the groups gnomAD compares: Non-Finnish European, 0.00017%; no homozygotes.

Submission:

GeneDx
Classification: Uncertain significance. Last evaluated: 2024-02-06. Review status: criteria provided, single submitter. Criteria: GeneDx Variant Classification Process June 2021. Collection method: clinical testing. Allele origin: germline. Affected: yes.
Comment: In silico analysis supports that this missense variant does not alter protein structure/function; Has not been previously published as pathogenic or benign to our knowledge

NM_001244008.2(KIF1A):c.1480G>A (p.Val494Ile)

Gene: KIF1A (kinesin family member 1A; minus strand). Cytogenetic location: 2q37.3.
Variant type: single nucleotide variant.
Coding change: c.1480G>A on transcript NM_001244008.2 (MANE Select); coding-DNA position 1480, G replaced by A.
Protein change: p.Val494Ile; replaces valine 494 with isoleucine.
Molecular consequence: missense variant.
Genome position (GRCh38, 1-based): chr2:240,769,150, C>T on the plus strand (G>A on the coding strand, the complement: KIF1A is on the minus strand). VCF-style: chr2-240769150-C-T. GRCh37 (hg19) VCF-style: chr2-241708567-C-T.
Other names: c.1480G>A, p.Val494Ile (NM_001320705.2, NM_001330289.2, NM_001379638.1); c.1555G>A, p.Val519Ile (NM_001330290.2, NM_001379631.1, NM_001379634.1 and 2 more transcripts); c.1453G>A, p.Val485Ile (NM_001379632.1, NM_001379633.1, NM_001379636.1 and 10 more transcripts); c.1528G>A, p.Val510Ile (NM_001379637.1, NM_001379648.1); short protein forms V485I, V494I, V510I, V519I.
Identifiers: ClinVar variation 3342679 (VCV003342679.1).